The following is an entry in ClinVar:

ClinVar aggregate classification (germline): Uncertain significance (1 of 4 stars; one submission).

Submission:

Ambry Genetics
Classification: Uncertain significance. Last evaluated: 2026-04-28. Review status: criteria provided, single submitter. Criteria: Ambry Variant Classification Scheme 2023. Collection method: clinical testing. Allele origin: germline.
Comment: The p.L447S variant (also known as c.1340T>C), located in coding exon 14 of the SRP72 gene, results from a T to C substitution at nucleotide position 1340. The leucine at codon 447 is replaced by serine, an amino acid with dissimilar properties. This amino acid position is conserved. In addition, the in silico prediction for this alteration is inconclusive. Based on the available evidence, the clinical significance of this variant remains unclear.

NM_006947.4(SRP72):c.1340T>C (p.Leu447Ser)

Gene: SRP72 (signal recognition particle 72; plus strand). Cytogenetic location: 4q12.
Variant type: single nucleotide variant.
Coding change: c.1340T>C on transcript NM_006947.4 (MANE Select); coding-DNA position 1340, T replaced by C.
Protein change: p.Leu447Ser; replaces leucine 447 with serine.
Molecular consequence: missense variant. On other transcripts: non-coding transcript variant (1).
Genome position (GRCh38, 1-based): chr4:56,490,352, T>C. VCF-style: chr4-56490352-T-C. GRCh37 (hg19) VCF-style: chr4-57356518-T-C.
Other names: c.1157T>C, p.Leu386Ser (NM_001267722.2); short protein forms L386S, L447S.
Identifiers: ClinVar variation 4865136 (VCV004865136.1).
Genomic context (GRCh38, chr4:56,490,352, plus strand): 5'-TTTAACTTGAAACTTTTTTTTTCTTTTTATTGAAACTGTAGCCAAAATCTCCTGCTCATT[T>C]GTCCTTGATAAGAGAAGCTGCAAACTTCAAACTCAAATATGGGCGGAAGAAGGAGGCAAT-3'
Protein context (NP_008878.3, residues 437-457): QNHQPKSPAH[Leu447Ser]SLIREAANFK